The following is an entry in ClinVar:

ClinVar aggregate classification (germline): Uncertain significance (1 of 4 stars; one submission).

gnomAD v4.1: 2 of 1,591,654 alleles (0.00013%); highest among the groups gnomAD compares: Non-Finnish European, 0.00017%; no homozygotes.

Submission:

Labcorp Genetics (formerly Invitae), Labcorp
Classification: Uncertain significance. Last evaluated: 2023-02-24. Review status: criteria provided, single submitter. Criteria: Invitae Variant Classification Sherloc (09022015). Collection method: clinical testing. Allele origin: germline.
Comment: In summary, the available evidence is currently insufficient to determine the role of this variant in disease. Therefore, it has been classified as a Variant of Uncertain Significance. Advanced modeling of protein sequence and biophysical properties (such as structural, functional, and spatial information, amino acid conservation, physicochemical variation, residue mobility, and thermodynamic stability) performed at Invitae indicates that this missense variant is not expected to disrupt EEF2 protein function. This variant has not been reported in the literature in individuals affected with EEF2-related conditions. The frequency data for this variant in the population databases is considered unreliable, as metrics indicate poor data quality at this position in the gnomAD database. This sequence change replaces aspartic acid, which is acidic and polar, with glutamic acid, which is acidic and polar, at codon 611 of the EEF2 protein (p.Asp611Glu).

NM_001961.4(EEF2):c.1833C>A (p.Asp611Glu)

Gene: EEF2 (eukaryotic translation elongation factor 2; minus strand). Cytogenetic location: 19p13.3.
Variant type: single nucleotide variant.
Coding change: c.1833C>A on transcript NM_001961.4 (MANE Select); coding-DNA position 1833, C replaced by A.
Protein change: p.Asp611Glu; replaces aspartic acid 611 with glutamic acid.
Molecular consequence: missense variant.
Genome position (GRCh38, 1-based): chr19:3,978,053, G>T on the plus strand (C>A on the coding strand, the complement: EEF2 is on the minus strand). VCF-style: chr19-3978053-G-T. GRCh37 (hg19) VCF-style: chr19-3978051-G-T.
Other names: short protein forms D611E.
Identifiers: ClinVar variation 3012405 (VCV003012405.3), dbSNP rs375212891, ClinGen allele CA403390932.